The following is an entry in ClinVar:

NM_000368.5(TSC1):c.3076_3077delinsTT (p.Ala1026Phe)

Gene: TSC1 (TSC complex subunit 1; minus strand). Cytogenetic location: 9q34.13.
Variant type: Indel.
Coding change: c.3076_3077delinsTT on transcript NM_000368.5 (MANE Select); coding-DNA positions 3076 to 3077, GC replaced by TT.
Protein change: p.Ala1026Phe; replaces alanine 1026 with phenylalanine.
Molecular consequence: missense variant.
Genome position (GRCh38, 1-based): chr9:132,896,653-132,896,654, GC replaced by AA on the plus strand (GC replaced by TT on the coding strand, the reverse complement: TSC1 is on the minus strand). VCF-style: chr9-132896653-GC-AA. GRCh37 (hg19) VCF-style: chr9-135772040-GC-AA.
Other names: c.3073_3074delinsTT, p.Ala1025Phe (NM_001162426.2); c.2923_2924delinsTT, p.Ala975Phe (NM_001162427.2); c.2713_2714delinsTT, p.Ala905Phe (NM_001362177.2); short protein forms A1026F, A905F, A1025F, A975F.
Identifiers: ClinVar variation 822814 (VCV000822814.8), dbSNP rs1588287842, ClinGen allele CA915947221.

ClinVar aggregate classification (germline): Uncertain significance. Review status: criteria provided, multiple submitters, no conflicts (2 of 4 stars). 2 submissions from 2 submitters: Uncertain significance (2). Last evaluated 2025-07-14.

Conditions:
Hereditary cancer-predisposing syndrome. Also called: Hereditary Cancer Syndrome; Neoplastic Syndromes, Hereditary; Hereditary neoplastic syndrome; Tumor predisposition. Identifiers: Orphanet 140162, MedGen C0027672, MeSH D009386, MONDO:0015356.
Tuberous sclerosis 1 (TSC1). Identifiers: Orphanet 805, MedGen C1854465, MONDO:0008612, OMIM 191100.

Submissions (2):

Labcorp Genetics (formerly Invitae), Labcorp
Classification: Uncertain significance for Tuberous sclerosis 1. Last evaluated: 2025-07-14. Review status: criteria provided, single submitter. Criteria: Invitae Variant Classification Sherloc (09022015). Collection method: clinical testing. Allele origin: germline.
Comment: This sequence change replaces alanine, which is neutral and non-polar, with phenylalanine, which is neutral and non-polar, at codon 1026 of the TSC1 protein (p.Ala1026Phe). This variant is present in population databases (no rsID available, gnomAD 0.0004%). This variant has not been reported in the literature in individuals affected with TSC1-related conditions. ClinVar contains an entry for this variant (Variation ID: 822814). An algorithm developed to predict the effect of missense changes on protein structure and function (PolyPhen-2) suggests that this variant is likely to be tolerated. In summary, the available evidence is currently insufficient to determine the role of this variant in disease. Therefore, it has been classified as a Variant of Uncertain Significance.

Ambry Genetics
Classification: Uncertain significance for Hereditary cancer-predisposing syndrome. Last evaluated: 2024-06-24. Review status: criteria provided, single submitter. Criteria: Ambry Variant Classification Scheme 2023. Collection method: clinical testing. Allele origin: germline.
Comment: The c.3076_3077delGCinsTT (p.A1026F) alteration, located in exon 23 (coding exon 21) of the TSC1 gene, consists of an in-frame substitution of 2 nucleotides from position 3076 to 3077, resulting in the insertion of 1 residue. Based on insufficient or conflicting evidence, the clinical significance of this alteration remains unclear.